The following is an entry in ClinVar:

ClinVar aggregate classification (germline): Uncertain significance (1 of 4 stars; one submission).

Conditions:
Birt-Hogg-Dube syndrome. Also called: Birt Hogg Dubé syndrome. Identifiers: Orphanet 122, MedGen C0346010, MONDO:0800444.

gnomAD v4.1: 1 of 1,613,928 alleles (0.000062%); highest among the groups gnomAD compares: Non-Finnish European, 0.000085%; no homozygotes.

Submission:

Labcorp Genetics (formerly Invitae), Labcorp
Classification: Uncertain significance for Birt-Hogg-Dube syndrome. Last evaluated: 2024-05-22. Review status: criteria provided, single submitter. Criteria: Invitae Variant Classification Sherloc (09022015). Collection method: clinical testing. Allele origin: germline.
Comment: This sequence change replaces phenylalanine, which is neutral and non-polar, with cysteine, which is neutral and slightly polar, at codon 435 of the FLCN protein (p.Phe435Cys). This variant is not present in population databases (gnomAD no frequency). This variant has not been reported in the literature in individuals affected with FLCN-related conditions. Advanced modeling of protein sequence and biophysical properties (such as structural, functional, and spatial information, amino acid conservation, physicochemical variation, residue mobility, and thermodynamic stability) performed at Invitae indicates that this missense variant is not expected to disrupt FLCN protein function with a negative predictive value of 80%. In summary, the available evidence is currently insufficient to determine the role of this variant in disease. Therefore, it has been classified as a Variant of Uncertain Significance.

NM_144997.7(FLCN):c.1304T>G (p.Phe435Cys)

Gene: FLCN (folliculin; minus strand). Cytogenetic location: 17p11.2.
Variant type: single nucleotide variant.
Coding change: c.1304T>G on transcript NM_144997.7 (MANE Select); coding-DNA position 1304, T replaced by G.
Protein change: p.Phe435Cys; replaces phenylalanine 435 with cysteine.
Molecular consequence: missense variant.
Genome position (GRCh38, 1-based): chr17:17,215,313, A>C on the plus strand (T>G on the coding strand, the complement: FLCN is on the minus strand). VCF-style: chr17-17215313-A-C. GRCh37 (hg19) VCF-style: chr17-17118627-A-C.
Other names: c.1358T>G, p.Phe453Cys (NM_001353229.2); c.1304T>G, p.Phe435Cys (NM_001353230.2, NM_001353231.2); short protein forms F435C, F453C.
Identifiers: ClinVar variation 3654188 (VCV003654188.2).
Genomic context (GRCh38, chr17:17,215,313, plus strand): 5'-TCACACCCCACAGGGTGGAGGGTGGAACGTGCGGCTGCGTGGACCTCCACGATGACAGCA[A>C]ACTCTGTAACAACACAAGGCCCGTGGCTCCTCATCTCCCCCATGCTCCTCACCTCCCCTG-3'
Protein context (NP_659434.2, residues 425-445): QIPPHVLSSE[Phe435Cys]AVIVEVHAAA